The following is an entry in ClinVar:

NM_001008537.3(NEXMIF):c.2986A>G (p.Met996Val)

Gene: NEXMIF (neurite extension and migration factor; minus strand). Cytogenetic location: Xq13.3.
Variant type: single nucleotide variant.
Coding change: c.2986A>G on transcript NM_001008537.3 (MANE Select); coding-DNA position 2986, A replaced by G.
Protein change: p.Met996Val; replaces methionine 996 with valine.
Molecular consequence: missense variant.
Genome position (GRCh38, 1-based): chrX:74,741,571, T>C on the plus strand (A>G on the coding strand, the complement: NEXMIF is on the minus strand). VCF-style: chrX-74741571-T-C. GRCh37 (hg19) VCF-style: chrX-73961406-T-C.
Other names: short protein forms M996V.
Identifiers: ClinVar variation 578629 (VCV000578629.29), dbSNP rs779441513, ClinGen allele CA10454987.
Genomic context (GRCh38, chrX:74,741,571, plus strand): 5'-TTTCACAGGACTTCAAGCTTAAGGAGCAATAATTACTTGAGCTGACAGAGAGTGGGGCCA[T>C]TGAATCAAAGCTAAAGAGCCGACCATCATCCATATTGACTGGCCCCTGCTGGAAAGGAAA-3'
Protein context (NP_001008537.1, residues 986-1006): DDGRLFSFDS[Met996Val]APLSVSSSNY

ClinVar aggregate classification (germline): Conflicting classifications of pathogenicity. Review status: criteria provided, conflicting classifications (1 of 4 stars). 3 submissions from 3 submitters: Uncertain significance (2); Benign (1). Last evaluated 2025-03-24.

Allele frequency attached by ClinVar (database versions not stated): gnomAD exomes 0.00001 and 0.00002; TOPMed 0.00001; ExAC 0.00002; gnomAD 0.00002.
gnomAD v4.1: 14 of 1,209,804 alleles (0.0012%); highest among the groups gnomAD compares: Middle Eastern, 0.023%; no homozygotes.

Submissions (3):

Ambry Genetics
Classification: Uncertain significance. Last evaluated: 2025-03-24. Review status: criteria provided, single submitter. Criteria: Ambry Variant Classification Scheme 2023. Collection method: clinical testing. Allele origin: germline.

CeGaT Center for Human Genetics Tuebingen
Classification: Uncertain significance. Last evaluated: 2024-05-01. Review status: criteria provided, single submitter. Criteria: CeGaT Center For Human Genetics Tuebingen Variant Classification Criteria Version 2. Collection method: clinical testing. Allele origin: germline. Affected: yes. Observed: 1 variant allele.
Comment: NEXMIF: PM2:Supporting, BP4

Labcorp Genetics (formerly Invitae), Labcorp
Classification: Benign. Last evaluated: 2024-01-19. Review status: criteria provided, single submitter. Criteria: Invitae Variant Classification Sherloc (09022015). Collection method: clinical testing. Allele origin: germline.